The following is an entry in ClinVar:

ClinVar aggregate classification (germline): Pathogenic (1 of 4 stars; one submission).

Conditions:
Hereditary cancer-predisposing syndrome. Also called: Tumor predisposition; Hereditary neoplastic syndrome; Neoplastic Syndromes, Hereditary; Hereditary Cancer Syndrome. Identifiers: Orphanet 140162, MedGen C0027672, MeSH D009386, MONDO:0015356.

Submission:

Labcorp Genetics (formerly Invitae), Labcorp
Classification: Pathogenic for Hereditary cancer-predisposing syndrome. Last evaluated: 2022-09-06. Review status: criteria provided, single submitter. Criteria: Invitae Variant Classification Sherloc (09022015). Collection method: clinical testing. Allele origin: germline.
Comment: For these reasons, this variant has been classified as Pathogenic. Algorithms developed to predict the effect of sequence changes on RNA splicing suggest that this variant may create or strengthen a splice site. ClinVar contains an entry for this variant (Variation ID: 1071256). This variant has not been reported in the literature in individuals affected with RAD50-related conditions. This variant is not present in population databases (gnomAD no frequency). This sequence change creates a premature translational stop signal (p.Ser1153Argfs*9) in the RAD50 gene. It is expected to result in an absent or disrupted protein product. Loss-of-function variants in RAD50 are known to be pathogenic (PMID: 19409520).

Literature cited by the submitters: PubMed 19409520.

NM_005732.4(RAD50):c.3458dup (p.Ser1153fs)

Genes: TH2-LCR (Th2 cytokine locus control region; plus strand), RAD50 (RAD50 double strand break repair protein; plus strand), TH2LCRR (T helper type 2 locus control region associated RNA; minus strand). Cytogenetic location: 5q31.1.
Variant type: Duplication.
Coding change: c.3458dup on transcript NM_005732.4 (MANE Select); coding-DNA position 3458, one base duplicated (G; older notation c.3458dupG).
Protein change: p.Ser1153fs; shifts the reading frame from serine 1153.
Molecular consequence: frameshift variant.
Genome position (GRCh38, 1-based): chr5:132,637,183, G duplicated. VCF-style (leftmost placement, unchanged base first): chr5-132637182-A-AG. GRCh37 (hg19) VCF-style: chr5-131972874-A-AG.
Other names: short protein forms S1153fs.
Identifiers: ClinVar variation 1071256 (VCV001071256.7), dbSNP rs2149862778, ClinGen allele CA2499217586.